The following is an entry in ClinVar:

NM_001130823.3(DNMT1):c.684A>G (p.Arg228=)

Gene: DNMT1 (DNA methyltransferase 1; minus strand). Cytogenetic location: 19p13.2.
Variant type: single nucleotide variant.
Coding change: c.684A>G on transcript NM_001130823.3 (MANE Select); coding-DNA position 684, A replaced by G.
Protein change: p.Arg228=; no amino-acid change (arginine 228 retained).
Molecular consequence: synonymous variant.
Genome position (GRCh38, 1-based): chr19:10,173,174, T>C on the plus strand (A>G on the coding strand, the complement: DNMT1 is on the minus strand). VCF-style: chr19-10173174-T-C. GRCh37 (hg19) VCF-style: chr19-10283850-T-C.
Other names: c.636A>G, p.Arg212= (NM_001318730.2, NM_001379.4); c.321A>G, p.Arg107= (NM_001318731.2).
Identifiers: ClinVar variation 1965502 (VCV001965502.5), dbSNP rs2513871750, ClinGen allele CA505356125.

ClinVar aggregate classification (germline): Uncertain significance (1 of 4 stars; one submission).

Conditions:
Hereditary sensory neuropathy-deafness-dementia syndrome. Also called: Hereditary Sensory and Autonomic Neuropathy Type 1E (HSAN1E); NEUROPATHY, HEREDITARY SENSORY, WITH HEARING LOSS AND DEMENTIA; HSN IE; Hereditary sensory neuropathy type IE. Identifiers: Orphanet 456318, MedGen C3279885, MONDO:0013584, OMIM 614116.

Allele frequency attached by ClinVar (database versions not stated): gnomAD exomes below 0.00001.
gnomAD v4.1: 2 of 1,614,200 alleles (0.00012%); highest among the groups gnomAD compares: Non-Finnish European, 0.00017%; no homozygotes.

Submission:

Labcorp Genetics (formerly Invitae), Labcorp
Classification: Uncertain significance for Hereditary sensory neuropathy-deafness-dementia syndrome. Last evaluated: 2022-09-21. Review status: criteria provided, single submitter. Criteria: Invitae Variant Classification Sherloc (09022015). Collection method: clinical testing. Allele origin: germline.
Comment: This variant has not been reported in the literature in individuals affected with DNMT1-related conditions. Algorithms developed to predict the effect of sequence changes on RNA splicing suggest that this variant is not likely to affect RNA splicing. In summary, the available evidence is currently insufficient to determine the role of this variant in disease. Therefore, it has been classified as a Variant of Uncertain Significance. This sequence change affects codon 228 of the DNMT1 mRNA. It is a 'silent' change, meaning that it does not change the encoded amino acid sequence of the DNMT1 protein. It affects a nucleotide within the consensus splice site. This variant is not present in population databases (gnomAD no frequency).